The following is an entry in ClinVar:

ClinVar aggregate classification (germline): Uncertain significance. Review status: criteria provided, multiple submitters, no conflicts (2 of 4 stars). 4 submissions from 4 submitters: Uncertain significance (4). Last evaluated 2025-11-13.

Conditions:
Inborn genetic diseases. Identifiers: MedGen C0950123, MeSH D030342.

Allele frequency attached by ClinVar (database versions not stated): gnomAD exomes below 0.00001 and 0.00001; TOPMed below 0.00001; gnomAD 0.00001; ExAC 0.00002.
gnomAD v4.1: 6 of 1,612,312 alleles (0.00037%); highest among the groups gnomAD compares: Non-Finnish European, 0.00051%; no homozygotes.

Submissions (4):

Ambry Genetics
Classification: Uncertain significance for Inborn genetic diseases. Last evaluated: 2025-11-13. Review status: criteria provided, single submitter. Criteria: Ambry Variant Classification Scheme 2023. Collection method: clinical testing. Allele origin: germline.
Comment: The c.1724G>A (p.G575D) alteration is located in exon 30 (coding exon 30) of the COL9A3 gene. This alteration results from a G to A substitution at nucleotide position 1724, causing the glycine (G) at amino acid position 575 to be replaced by an aspartic acid (D). Based on data from gnomAD, the A allele has an overall frequency of 0.001% (2/247920) total alleles studied. The highest observed frequency was 0.002% (2/112196) of European (non-Finnish) alleles. Based on insufficient or conflicting evidence, the clinical significance of this alteration remains unclear.

Labcorp Genetics (formerly Invitae), Labcorp
Classification: Uncertain significance. Last evaluated: 2024-12-31. Review status: criteria provided, single submitter. Criteria: Invitae Variant Classification Sherloc (09022015). Collection method: clinical testing. Allele origin: germline.
Comment: This sequence change replaces glycine, which is neutral and non-polar, with aspartic acid, which is acidic and polar, at codon 575 of the COL9A3 protein (p.Gly575Asp). This variant is present in population databases (rs764514247, gnomAD 0.002%). This variant has not been reported in the literature in individuals affected with COL9A3-related conditions. ClinVar contains an entry for this variant (Variation ID: 1310722). Invitae Evidence Modeling of protein sequence and biophysical properties (such as structural, functional, and spatial information, amino acid conservation, physicochemical variation, residue mobility, and thermodynamic stability) indicates that this missense variant is expected to disrupt COL9A3 protein function with a positive predictive value of 95%. In summary, the available evidence is currently insufficient to determine the role of this variant in disease. Therefore, it has been classified as a Variant of Uncertain Significance.

GeneDx
Classification: Uncertain significance. Last evaluated: 2019-12-03. Review status: criteria provided, single submitter. Criteria: GeneDx Variant Classification Process June 2021. Collection method: clinical testing. Allele origin: germline. Affected: yes.
Comment: Has not been previously published as pathogenic or benign to our knowledge; Not observed at a significant frequency in large population cohorts (Lek et al., 2016); In silico analysis, which includes protein predictors and evolutionary conservation, supports a deleterious effect

Blueprint Genetics
Classification: Uncertain significance. Last evaluated: 2019-05-10. Review status: criteria provided, single submitter. Criteria: ACMG Guidelines, 2015. Collection method: clinical testing. Allele origin: germline.

NM_001853.4(COL9A3):c.1724G>A (p.Gly575Asp)

Gene: COL9A3 (collagen type IX alpha 3 chain; plus strand). Cytogenetic location: 20q13.33.
Variant type: single nucleotide variant.
Coding change: c.1724G>A on transcript NM_001853.4 (MANE Select); coding-DNA position 1724, G replaced by A.
Protein change: p.Gly575Asp; replaces glycine 575 with aspartic acid.
Molecular consequence: missense variant.
Genome position (GRCh38, 1-based): chr20:62,837,203, G>A. VCF-style: chr20-62837203-G-A. GRCh37 (hg19) VCF-style: chr20-61468555-G-A.
Other names: short protein forms G575D.
Identifiers: ClinVar variation 1310722 (VCV001310722.8), dbSNP rs764514247, ClinGen allele CA9950166.
Genomic context (GRCh38, chr20:62,837,203, plus strand): 5'-GGCCCGGTCCAGCTGGCCCCCCTGGGCCCCCAGGACCCCCAGGCTCCATTGGTCACCCTG[G>A]CGCTCGAGGACCCCCTGGATACCGCGGTCCCACTGGGGAGCTGGGAGACCCCGGGCCCAG-3'
Protein context (NP_001844.3, residues 565-585): PGPPGSIGHP[Gly575Asp]ARGPPGYRGP